The following is an entry in ClinVar:

NM_002485.5(NBN):c.972T>G (p.Asp324Glu)

Gene: NBN (nibrin; minus strand). Cytogenetic location: 8q21.3.
Variant type: single nucleotide variant.
Coding change: c.972T>G on transcript NM_002485.5 (MANE Select); coding-DNA position 972, T replaced by G.
Protein change: p.Asp324Glu; replaces aspartic acid 324 with glutamic acid.
Molecular consequence: missense variant.
Genome position (GRCh38, 1-based): chr8:89,964,432, A>C on the plus strand (T>G on the coding strand, the complement: NBN is on the minus strand). VCF-style: chr8-89964432-A-C. GRCh37 (hg19) VCF-style: chr8-90976660-A-C.
Other names: c.726T>G, p.Asp242Glu (NM_001024688.3); short protein forms D242E, D324E.
Identifiers: ClinVar variation 2586807 (VCV002586807.2), dbSNP rs2488284219, ClinGen allele CA371656898.

ClinVar aggregate classification (germline): Uncertain significance (1 of 4 stars; one submission).

Conditions:
Hereditary cancer-predisposing syndrome. Also called: Hereditary neoplastic syndrome; Tumor predisposition; Hereditary Cancer Syndrome; Neoplastic Syndromes, Hereditary. Identifiers: Orphanet 140162, MedGen C0027672, MeSH D009386, MONDO:0015356.

Submission:

Ambry Genetics
Classification: Uncertain significance for Hereditary cancer-predisposing syndrome. Last evaluated: 2023-07-03. Review status: criteria provided, single submitter. Criteria: Ambry Variant Classification Scheme 2023. Collection method: clinical testing. Allele origin: germline.
Comment: The p.D324E variant (also known as c.972T>G), located in coding exon 8 of the NBN gene, results from a T to G substitution at nucleotide position 972. The aspartic acid at codon 324 is replaced by glutamic acid, an amino acid with highly similar properties. This amino acid position is conserved. In addition, this alteration is predicted to be tolerated by in silico analysis. Since supporting evidence is limited at this time, the clinical significance of this alteration remains unclear.